The following is an entry in ClinVar:

NM_000166.6(GJB1):c.559A>G (p.Lys187Glu)

Gene: GJB1 (gap junction protein beta 1; plus strand). Cytogenetic location: Xq13.1.
Variant type: single nucleotide variant.
Coding change: c.559A>G on transcript NM_000166.6 (MANE Select); coding-DNA position 559, A replaced by G.
Protein change: p.Lys187Glu; replaces lysine 187 with glutamic acid.
Molecular consequence: missense variant.
Genome position (GRCh38, 1-based): chrX:71,224,266, A>G. VCF-style: chrX-71224266-A-G. GRCh37 (hg19) VCF-style: chrX-70444116-A-G.
Other names: c.559A>G, p.Lys187Glu (NM_001097642.3); short protein forms K187E.
Identifiers: ClinVar variation 543925 (VCV000543925.14), dbSNP rs1555937244, ClinGen allele CA413503167.

ClinVar aggregate classification (germline): Conflicting classifications of pathogenicity. Review status: criteria provided, conflicting classifications (1 of 4 stars). 4 submissions from 4 submitters: Pathogenic (1); Likely pathogenic (1); Uncertain significance (1). 1 of the submissions does not count toward it. Last evaluated 2026-01-26.

Conditions:
Charcot-Marie-Tooth disease. Also called: Charcot-Marie-Tooth Neuropathy; Charcot-Marie-Tooth Hereditary Neuropathy. Identifiers: Orphanet 166, MedGen C0007959, MONDO:0015626.
Charcot-Marie-Tooth Neuropathy X. Identifiers: MedGen CN118851.

Submissions (4):

Labcorp Genetics (formerly Invitae), Labcorp
Classification: Pathogenic for Charcot-Marie-Tooth Neuropathy X. Last evaluated: 2026-01-26. Review status: criteria provided, single submitter. Criteria: Invitae Variant Classification Sherloc (09022015). Collection method: clinical testing. Allele origin: germline.
Comment: This sequence change replaces lysine, which is basic and polar, with glutamic acid, which is acidic and polar, at codon 187 of the GJB1 protein (p.Lys187Glu). This variant is not present in population databases (gnomAD no frequency). This missense change has been observed in individuals with clinical features of Charcot-Marie-Tooth disease (PMID: 9361298, 17353473, 37284795; internal data). ClinVar contains an entry for this variant (Variation ID: 543925). Invitae Evidence Modeling of protein sequence and biophysical properties (such as structural, functional, and spatial information, amino acid conservation, physicochemical variation, residue mobility, and thermodynamic stability) indicates that this missense variant is expected to disrupt GJB1 protein function with a positive predictive value of 95%. For these reasons, this variant has been classified as Pathogenic.

Athena Diagnostics
Classification: Likely pathogenic. Last evaluated: 2023-03-07. Review status: criteria provided, single submitter. Criteria: Athena Diagnostics Criteria. Collection method: clinical testing. Allele origin: unknown.
Comment: This variant has been identified in at least one individual with clinical features associated with this gene. This variant has not been reported in large, multi-ethnic general populations. Computational tools predict that this variant is damaging. The variant is located in a region that is considered important for protein function and/or structure.

Mendelics
Classification: Uncertain significance. Last evaluated: 2022-05-04. Review status: criteria provided, single submitter. Criteria: Mendelics Assertion Criteria 2019. Collection method: clinical testing. Allele origin: germline.

Inherited Neuropathy Consortium
Classification: Uncertain significance for Charcot-Marie-Tooth disease. Review status: no assertion criteria provided. Collection method: literature only. Allele origin: germline. Affected: yes. Not counted in ClinVar's aggregate classification.

Literature cited by the submitters: PubMed 9361298 (cited by 3 submitters); PubMed 17353473 (cited by Labcorp Genetics (formerly Invitae), Labcorp); PubMed 37284795 (cited by Labcorp Genetics (formerly Invitae), Labcorp).